The following is an entry in ClinVar:

NM_177550.5(SLC13A5):c.581G>A (p.Gly194Glu)

Gene: SLC13A5 (solute carrier family 13 member 5; minus strand). Cytogenetic location: 17p13.1.
Variant type: single nucleotide variant.
Coding change: c.581G>A on transcript NM_177550.5 (MANE Select); coding-DNA position 581, G replaced by A.
Protein change: p.Gly194Glu; replaces glycine 194 with glutamic acid.
Molecular consequence: missense variant.
Genome position (GRCh38, 1-based): chr17:6,703,105, C>T on the plus strand (G>A on the coding strand, the complement: SLC13A5 is on the minus strand). VCF-style: chr17-6703105-C-T. GRCh37 (hg19) VCF-style: chr17-6606424-C-T.
Other names: c.581G>A, p.Gly194Glu (NM_001143838.3); c.530G>A, p.Gly177Glu (NM_001284509.2); c.452G>A, p.Gly151Glu (NM_001284510.2); short protein forms G151E, G177E, G194E.
Identifiers: ClinVar variation 1043995 (VCV001043995.9), dbSNP rs772459786, ClinGen allele CA287396003.

ClinVar aggregate classification (germline): Uncertain significance (1 of 4 stars; one submission).

Conditions:
Developmental and epileptic encephalopathy, 25 (DEE25). Also called: Epileptic encephalopathy, early infantile, 25; Developmental and epileptic encephalopathy 25, with amelogenesis imperfecta; Epileptic encephalopathy, early infantile, 25, with amelogenesis imperfecta. Identifiers: Orphanet 442835, MedGen C4014621, MONDO:0014392, OMIM 615905.

Allele frequency attached by ClinVar (database versions not stated): gnomAD 0.00001; TOPMed 0.00001; gnomAD exomes 0.00002.

Submission:

Labcorp Genetics (formerly Invitae), Labcorp
Classification: Uncertain significance for Developmental and epileptic encephalopathy, 25. Last evaluated: 2022-11-22. Review status: criteria provided, single submitter. Criteria: Invitae Variant Classification Sherloc (09022015). Collection method: clinical testing. Allele origin: germline.
Comment: In summary, the available evidence is currently insufficient to determine the role of this variant in disease. Therefore, it has been classified as a Variant of Uncertain Significance. Algorithms developed to predict the effect of missense changes on protein structure and function output the following: SIFT: "Tolerated"; PolyPhen-2: "Benign"; Align-GVGD: "Class C0". The glutamic acid amino acid residue is found in multiple mammalian species, which suggests that this missense change does not adversely affect protein function. ClinVar contains an entry for this variant (Variation ID: 1043995). This variant has not been reported in the literature in individuals affected with SLC13A5-related conditions. This variant is not present in population databases (gnomAD no frequency). This sequence change replaces glycine, which is neutral and non-polar, with glutamic acid, which is acidic and polar, at codon 194 of the SLC13A5 protein (p.Gly194Glu).